The following is an entry in ClinVar:

NM_030665.4(RAI1):c.1607G>A (p.Arg536His)

Gene: RAI1 (retinoic acid induced 1; plus strand). Cytogenetic location: 17p11.2.
Variant type: single nucleotide variant.
Coding change: c.1607G>A on transcript NM_030665.4 (MANE Select); coding-DNA position 1607, G replaced by A.
Protein change: p.Arg536His; replaces arginine 536 with histidine.
Molecular consequence: missense variant.
Genome position (GRCh38, 1-based): chr17:17,794,555, G>A. VCF-style: chr17-17794555-G-A. GRCh37 (hg19) VCF-style: chr17-17697869-G-A.
Other names: short protein forms R536H.
Identifiers: ClinVar variation 1776317 (VCV001776317.6), dbSNP rs750604586, ClinGen allele CA8418372.
Genomic context (GRCh38, chr17:17,794,555, plus strand): 5'-ACTACCTGAGCGGCTCCGAGGACCCACTGGAGCGCAGCTTCCTCTACTGCAACCAGGCCC[G>A]TGGCAGCCCTGCCAGGGTCAACAGCAACTCGAAGGCCAAGCCCGAGTCCGTGTCCACCTG-3'
Protein context (NP_109590.3, residues 526-546): ERSFLYCNQA[Arg536His]GSPARVNSNS

ClinVar aggregate classification (germline): Conflicting classifications of pathogenicity. Review status: criteria provided, conflicting classifications (1 of 4 stars). 3 submissions from 3 submitters: Uncertain significance (2); Likely benign (1). Last evaluated 2026-02-02.

Conditions:
Inborn genetic diseases. Identifiers: MedGen C0950123, MeSH D030342.
RAI1-related disorder. Also called: RAI1-related condition.

Allele frequency attached by ClinVar (database versions not stated): TOPMed below 0.00001; gnomAD 0.00001; ExAC 0.00002.
gnomAD v4.1: 26 of 1,613,038 alleles (0.0016%); highest among the groups gnomAD compares: South Asian, 0.0033%; 1 homozygote.

Submissions (3):

Labcorp Genetics (formerly Invitae), Labcorp
Classification: Likely benign. Last evaluated: 2026-02-02. Review status: criteria provided, single submitter. Criteria: Invitae Variant Classification Sherloc (09022015). Collection method: clinical testing. Allele origin: germline.

PreventionGenetics, part of Exact Sciences
Classification: Uncertain significance for RAI1-related condition. Last evaluated: 2025-12-03. Review status: criteria provided, single submitter. Criteria: ACMG Guidelines, 2015. Collection method: clinical testing. Allele origin: germline.
Comment: The RAI1 c.1607G>A variant is predicted to result in the amino acid substitution p.Arg536His. To our knowledge, this variant has not been reported in the literature. This variant is reported in 0.010% of alleles in individuals of East Asian descent in gnomAD. At this time, the clinical significance of this variant is uncertain due to the absence of conclusive functional and genetic evidence.

Ambry Genetics
Classification: Uncertain significance for Inborn genetic diseases. Last evaluated: 2018-05-14. Review status: criteria provided, single submitter. Criteria: Ambry Variant Classification Scheme 2023. Collection method: clinical testing. Allele origin: germline.
Comment: The p.R536H variant (also known as c.1607G>A), located in coding exon 1 of the RAI1 gene, results from a G to A substitution at nucleotide position 1607. The arginine at codon 536 is replaced by histidine, an amino acid with highly similar properties. This amino acid position is highly conserved in available vertebrate species. In addition, the in silico prediction for this alteration is inconclusive. Since supporting evidence is limited at this time, the clinical significance of this alteration remains unclear.